The following is an entry in ClinVar:

NM_000548.5(TSC2):c.5073G>C (p.Met1691Ile)

Gene: TSC2 (TSC complex subunit 2; plus strand). Cytogenetic location: 16p13.3.
Variant type: single nucleotide variant.
Coding change: c.5073G>C on transcript NM_000548.5 (MANE Select); coding-DNA position 5073, G replaced by C.
Protein change: p.Met1691Ile; replaces methionine 1691 with isoleucine.
Molecular consequence: missense variant. On other transcripts: non-coding transcript variant (5).
Genome position (GRCh38, 1-based): chr16:2,088,052, G>C. VCF-style: chr16-2088052-G-C. GRCh37 (hg19) VCF-style: chr16-2138053-G-C.
Other names: c.4854G>C, p.Met1618Ile (NM_001406676.1); c.4815G>C, p.Met1605Ile (NM_001406677.1); c.4761G>C, p.Met1587Ile (NM_001406678.1); c.4725G>C, p.Met1575Ile (NM_001406679.1); c.4473G>C, p.Met1491Ile (NM_001406680.1); c.4413G>C, p.Met1471Ile (NM_001406681.1); c.4404G>C, p.Met1468Ile (NM_001406682.1, NM_001406683.1); c.4401G>C, p.Met1467Ile (NM_001406684.1); and 26 more; short protein forms M1090I, M1575I, M1635I, M1648I, M1655I, M1690I, M1467I, M1468I.
Identifiers: ClinVar variation 4842413 (VCV004842413.1).

ClinVar aggregate classification (germline): Uncertain significance (1 of 4 stars; one submission).

Conditions:
Hereditary cancer-predisposing syndrome. Also called: Neoplastic Syndromes, Hereditary; Tumor predisposition; Hereditary Cancer Syndrome; Hereditary neoplastic syndrome. Identifiers: Orphanet 140162, MedGen C0027672, MeSH D009386, MONDO:0015356.

Submission:

Ambry Genetics
Classification: Uncertain significance for Hereditary cancer-predisposing syndrome. Last evaluated: 2025-12-28. Review status: criteria provided, single submitter. Criteria: Ambry Variant Classification Scheme 2023. Collection method: clinical testing. Allele origin: germline.
Comment: The p.M1691I variant (also known as c.5073G>C), located in coding exon 39 of the TSC2 gene, results from a G to C substitution at nucleotide position 5073. The methionine at codon 1691 is replaced by isoleucine, an amino acid with highly similar properties. This amino acid position is conserved. In addition, the in silico prediction for this alteration is inconclusive. Based on the available evidence, the clinical significance of this variant remains unclear.